The following is an entry in ClinVar:

NM_001206979.2(NR1H4):c.47C>T (p.Thr16Ile)

Gene: NR1H4 (nuclear receptor subfamily 1 group H member 4; plus strand). Cytogenetic location: 12q23.1.
Variant type: single nucleotide variant.
Coding change: c.47C>T on transcript NM_001206979.2 (MANE Select); coding-DNA position 47, C replaced by T.
Protein change: p.Thr16Ile; replaces threonine 16 with isoleucine.
Molecular consequence: missense variant. On other transcripts: non-coding transcript variant (1).
Genome position (GRCh38, 1-based): chr12:100,493,370, C>T. VCF-style: chr12-100493370-C-T. GRCh37 (hg19) VCF-style: chr12-100887148-C-T.
Other names: c.47C>T, p.Thr16Ile (NM_001206977.2, NM_001206978.2, NM_005123.4); short protein forms T16I.
Identifiers: ClinVar variation 2191391 (VCV002191391.4), dbSNP rs759591746, ClinGen allele CA6739113.

ClinVar aggregate classification (germline): Uncertain significance (1 of 4 stars; one submission).

Allele frequency attached by ClinVar (database versions not stated): gnomAD exomes below 0.00001; gnomAD 0.00001; ExAC 0.00002; TOPMed 0.00003.
gnomAD v4.1: 5 of 1,575,208 alleles (0.00032%); highest among the groups gnomAD compares: African/African-American, 0.004%; no homozygotes.

Submission:

Labcorp Genetics (formerly Invitae), Labcorp
Classification: Uncertain significance. Last evaluated: 2022-05-25. Review status: criteria provided, single submitter. Criteria: Invitae Variant Classification Sherloc (09022015). Collection method: clinical testing. Allele origin: germline.
Comment: In summary, the available evidence is currently insufficient to determine the role of this variant in disease. Therefore, it has been classified as a Variant of Uncertain Significance. Algorithms developed to predict the effect of missense changes on protein structure and function (SIFT, PolyPhen-2, Align-GVGD) all suggest that this variant is likely to be tolerated. This variant has not been reported in the literature in individuals affected with NR1H4-related conditions. The frequency data for this variant in the population databases is considered unreliable, as metrics indicate poor data quality at this position in the gnomAD database. This sequence change replaces threonine, which is neutral and polar, with isoleucine, which is neutral and non-polar, at codon 16 of the NR1H4 protein (p.Thr16Ile).